The following is an entry in ClinVar:

ClinVar aggregate classification (germline): Pathogenic (1 of 4 stars; one submission).

Conditions:
Lynch syndrome 5 (LYNCH5). Also called: Colorectal cancer, hereditary nonpolyposis, type 5; Hereditary non-polyposis colorectal cancer, type 5. Identifiers: Orphanet 144, MedGen C1833477, MONDO:0013710, OMIM 614350. Disease mechanism: loss of function.

Submission:

Myriad Genetics, Inc.
Classification: Pathogenic for Lynch syndrome 5. Last evaluated: 2026-09-02. Review status: criteria provided, single submitter. Criteria: Myriad Autosomal Dominant, Autosomal Recessive and X-Linked Classification Criteria (2023). Collection method: clinical testing. Allele origin: unknown.
Comment: This variant is considered pathogenic. This variant creates a frameshift predicted to result in premature protein truncation.

NM_000179.3(MSH6):c.3856del (p.Leu1286fs)

Gene: MSH6 (mutS homolog 6; plus strand). Cytogenetic location: 2p16.3.
Variant type: Deletion.
Coding change: c.3856del on transcript NM_000179.3 (MANE Select); coding-DNA position 3856, one base deleted (C; older notation c.3856delC).
Protein change: p.Leu1286fs; shifts the reading frame from leucine 1286.
Molecular consequence: frameshift variant. On other transcripts: non-coding transcript variant (5), intron variant (1).
Genome position (GRCh38, 1-based): chr2:47,806,506, C deleted; the last of 2 consecutive C bases (chr2:47,806,505-47,806,506); deleting either gives the same sequence. VCF-style (leftmost placement, unchanged base first): chr2-47806504-TC-T. GRCh37 (hg19) VCF-style: chr2-48033643-TC-T.
Other names: c.3466del, p.Leu1156fs (NM_001281492.2); c.2950del, p.Leu984fs (NM_001281493.2, NM_001281494.2, NM_001406811.1 and 6 more transcripts); c.3952del, p.Leu1318fs (NM_001406795.1); c.3856del, p.Leu1286fs (NM_001406796.1, NM_001406808.1, NM_001406809.1); c.3559del, p.Leu1187fs (NM_001406797.1, NM_001406801.1, NM_001406805.1 and 10 more transcripts); c.3682del, p.Leu1228fs (NM_001406798.1); c.3331del, p.Leu1111fs (NM_001406799.1, NM_001406806.1, NM_001406807.1); c.3843del, p.Ser1282fs (NM_001406800.1); and 9 more; short protein forms L1111fs, L1156fs, L1187fs, L1228fs, L1230fs, L1260fs, L1286fs, L1288fs.
Identifiers: ClinVar variation 5042275 (VCV005042275.1).